The following is an entry in ClinVar:

ClinVar aggregate classification (germline): Likely pathogenic (1 of 4 stars; one submission).

Conditions:
Hereditary cancer-predisposing syndrome. Also called: Neoplastic Syndromes, Hereditary; Hereditary Cancer Syndrome; Tumor predisposition; Hereditary neoplastic syndrome. Identifiers: Orphanet 140162, MedGen C0027672, MeSH D009386, MONDO:0015356.

Submission:

Ambry Genetics
Classification: Likely pathogenic for Hereditary cancer-predisposing syndrome. Last evaluated: 2025-02-11. Review status: criteria provided, single submitter. Criteria: Ambry Variant Classification Scheme 2023. Collection method: clinical testing. Allele origin: germline.
Comment: The c.2616+1G>A intronic variant results from a G to A substitution one nucleotide after coding exon 17 of the SMARCA4 gene. Alterations that disrupt the canonical splice site are expected to cause aberrant splicing, resulting in an abnormal protein or a transcript that is subject to nonsense-mediated mRNA decay. This variant is considered to be rare based on population cohorts in the Genome Aggregation Database (gnomAD). This nucleotide position is highly conserved in available vertebrate species. In silico splice site analysis predicts that this alteration will weaken the native splice donor site and will result in the creation or strengthening of a novel splice donor site. RNA studies have demonstrated that this alteration results in abnormal splicing in the set of samples tested (Ambry internal data). Loss-of-function variants in SMARCA4 are known to cause rhabdoid tumor predisposition syndrome including small cell carcinoma of the ovary-hypercalcemic type (SCCOHT); however, such associations with neurodevelopmental disorders are exceedingly rare (Kosho T et al. Am J Med Genet C Semin Med Genet. 2014 Sep;166C(3):262-75; Jelinic P et al. Nat Genet. 2014 May;46(5):424-6). Based on the supporting evidence, this alteration is likely pathogenic for rhabdoid tumor predisposition syndrome; however, the association of this alteration with Coffin-Siris syndrome is unlikely.

NM_003072.5(SMARCA4):c.2616+1G>A

Gene: SMARCA4 (SWI/SNF related BAF chromatin remodeling complex subunit ATPase 4; plus strand). Cytogenetic location: 19p13.2.
Variant type: single nucleotide variant.
Coding change: c.2616+1G>A on transcript NM_003072.5 (MANE Select); the canonical splice donor site of the intron after coding-DNA position 2616, G replaced by A.
Molecular consequence: splice donor variant.
Genome position (GRCh38, 1-based): chr19:11,019,702, G>A. VCF-style: chr19-11019702-G-A. GRCh37 (hg19) VCF-style: chr19-11130378-G-A.
Other names: c.2616+1G>A (NM_001128844.3, NM_001128849.3, NM_001128847.4 and 6 more transcripts).
Identifiers: ClinVar variation 3798915 (VCV003798915.1).